The following is an entry in ClinVar:

NM_002529.4(NTRK1):c.291C>T (p.Thr97=)

Gene: NTRK1 (neurotrophic receptor tyrosine kinase 1; plus strand). Cytogenetic location: 1q23.1.
Variant type: single nucleotide variant.
Coding change: c.291C>T on transcript NM_002529.4 (MANE Select); coding-DNA position 291, C replaced by T.
Protein change: p.Thr97=; no amino-acid change (threonine 97 retained).
Molecular consequence: synonymous variant.
Genome position (GRCh38, 1-based): chr1:156,864,731, C>T. VCF-style: chr1-156864731-C-T. GRCh37 (hg19) VCF-style: chr1-156834523-C-T.
Other names: c.201C>T, p.Thr67= (NM_001007792.1); c.291C>T, p.Thr97= (NM_001012331.2).
Identifiers: ClinVar variation 388090 (VCV000388090.4), dbSNP rs1057522997, ClinGen allele CA16603457.

ClinVar aggregate classification (germline): Likely benign. Review status: criteria provided, multiple submitters, no conflicts (2 of 4 stars). 2 submissions from 2 submitters: Likely benign (2). Last evaluated 2023-04-07.

Conditions:
Hereditary insensitivity to pain with anhidrosis (CIPA). Also called: hereditary sensory and autonomic neuropathy type 4; INSENSITIVITY TO PAIN, CONGENITAL, WITH ANHIDROSIS; HSAN Type IV; NTRK1 Congenital Insensitivity to Pain with Anhidrosis; NEUROPATHY, CONGENITAL SENSORY, WITH ANHIDROSIS; FAMILIAL DYSAUTONOMIA, TYPE II. Identifiers: Orphanet 642, MedGen C0020074, MONDO:0009746, OMIM 256800.

Allele frequency attached by ClinVar (database versions not stated): gnomAD exomes below 0.00001.
gnomAD v4.1: 1 of 1,614,058 alleles (0.000062%); highest among the groups gnomAD compares: Non-Finnish European, 0.000085%; no homozygotes.

Submissions (2):

Labcorp Genetics (formerly Invitae), Labcorp
Classification: Likely benign for Hereditary insensitivity to pain with anhidrosis. Last evaluated: 2023-04-07. Review status: criteria provided, single submitter. Criteria: Invitae Variant Classification Sherloc (09022015). Collection method: clinical testing. Allele origin: germline.

GeneDx
Classification: Likely benign. Last evaluated: 2016-07-25. Review status: criteria provided, single submitter. Criteria: GeneDx Variant Classification (06012015). Collection method: clinical testing. Allele origin: germline. Affected: yes.
Comment: This variant is considered likely benign or benign based on one or more of the following criteria: it is a conservative change, it occurs at a poorly conserved position in the protein, it is predicted to be benign by multiple in silico algorithms, and/or has population frequency not consistent with disease.